The following is an entry in ClinVar:

NM_001148.6(ANK2):c.1345C>T (p.Leu449Phe)

Gene: ANK2 (ankyrin 2; plus strand). Cytogenetic location: 4q26.
Variant type: single nucleotide variant.
Coding change: c.1345C>T on transcript NM_001148.6 (MANE Select); coding-DNA position 1345, C replaced by T.
Protein change: p.Leu449Phe; replaces leucine 449 with phenylalanine.
Molecular consequence: missense variant. On other transcripts: intron variant (5).
Genome position (GRCh38, 1-based): chr4:113,258,370, C>T. VCF-style: chr4-113258370-C-T. GRCh37 (hg19) VCF-style: chr4-114179526-C-T.
Other names: c.1282C>T, p.Leu428Phe (NM_001127493.3, NM_001354239.2, NM_001354243.2 and 14 more transcripts); c.1345C>T, p.Leu449Phe (NM_001354225.2, NM_001354228.2, NM_001354232.2 and 8 more transcripts); c.1390C>T, p.Leu464Phe (NM_001354230.2, NM_001354231.2, NM_001354237.2 and 5 more transcripts); c.1258C>T, p.Leu420Phe (NM_001354249.2, NM_001354260.2, NM_001354264.2 and 13 more transcripts); c.1303C>T, p.Leu435Phe (NM_001354261.2, NM_001386147.1, NM_001386160.1); c.1333C>T, p.Leu445Phe (NM_001386148.2, NM_001386186.2); c.1396C>T, p.Leu466Phe (NM_001386174.1); c.1372C>T, p.Leu458Phe (NM_001386175.1); and 4 more; short protein forms L420F, L449F, L428F, L464F, L435F, L437F, L445F, L458F.
Identifiers: ClinVar variation 855269 (VCV000855269.1), dbSNP rs2050679496, ClinGen allele CA357928005.

ClinVar aggregate classification (germline): Uncertain significance (1 of 4 stars; one submission).

Conditions:
Long QT syndrome (LQTS). Identifiers: MedGen C0023976, MeSH D008133, MONDO:0002442. Disease mechanism: loss of function. Inheritance: Various modes of inheritance.

Submission:

Labcorp Genetics (formerly Invitae), Labcorp
Classification: Uncertain significance for Long QT syndrome. Last evaluated: 2019-12-31. Review status: criteria provided, single submitter. Criteria: Invitae Variant Classification Sherloc (09022015). Collection method: clinical testing. Allele origin: germline.
Comment: This sequence change replaces leucine with phenylalanine at codon 449 of the ANK2 protein (p.Leu449Phe). The leucine residue is moderately conserved and there is a small physicochemical difference between leucine and phenylalanine. This variant is not present in population databases (ExAC no frequency). This variant has not been reported in the literature in individuals with ANK2-related conditions. Algorithms developed to predict the effect of missense changes on protein structure and function are either unavailable or do not agree on the potential impact of this missense change (SIFT: "Tolerated"; PolyPhen-2: "Possibly Damaging"; Align-GVGD: "Class C0"). In summary, the available evidence is currently insufficient to determine the role of this variant in disease. Therefore, it has been classified as a Variant of Uncertain Significance.